The following is an entry in ClinVar:

NM_003193.5(TBCE):c.446C>G (p.Ala149Gly)

Gene: TBCE (tubulin folding cofactor E; plus strand). Cytogenetic location: 1q42.3.
Variant type: single nucleotide variant.
Coding change: c.446C>G on transcript NM_003193.5 (MANE Select); coding-DNA position 446, C replaced by G.
Protein change: p.Ala149Gly; replaces alanine 149 with glycine.
Molecular consequence: missense variant.
Genome position (GRCh38, 1-based): chr1:235,419,547, C>G. VCF-style: chr1-235419547-C-G. GRCh37 (hg19) VCF-style: chr1-235582862-C-G.
Other names: c.446C>G, p.Ala149Gly (NM_001079515.3, NM_001287801.2); c.107C>G, p.Ala36Gly (NM_001287802.2); short protein forms A149G, A36G.
Identifiers: ClinVar variation 284336 (VCV000284336.14), dbSNP rs150187679, ClinGen allele CA1464036.
Genomic context (GRCh38, chr1:235,419,547, plus strand): 5'-TGCAAGAAGTTTCTCTGAGGAACTGTGCAGTAAGTTGTGCTGGTGAAAAAGGAGGAGTTG[C>G]TGAAGCATGTCCTAGTATCCTTTTCACCGAGAGCTTGTTATTGGAATCTGACTATGGATT-3'
Protein context (NP_003184.1, residues 139-159): VSCAGEKGGV[Ala149Gly]EACPNIRKVD

ClinVar aggregate classification (germline): Uncertain significance. Review status: criteria provided, multiple submitters, no conflicts (2 of 4 stars). 5 submissions from 5 submitters: Uncertain significance (5). Last evaluated 2025-08-26.

Conditions:
Hypoparathyroidism-retardation-dysmorphism syndrome (HRDS). Also called: SANJAD-SAKATI SYNDROME. Identifiers: Orphanet 2323, MedGen C1855840, MONDO:0009426, OMIM 241410.

Allele frequency attached by ClinVar (database versions not stated): gnomAD exomes 0.00014 and 0.00023; ESP Exome Variant Server 0.00015; ExAC 0.00016; gnomAD 0.00016; TOPMed 0.00019; 1000 Genomes Project 30x 0.00031; 1000 Genomes Project 0.00040.
gnomAD v4.1: 363 of 1,614,036 alleles (0.022%); highest among the groups gnomAD compares: Non-Finnish European, 0.029%; no homozygotes.

Submissions (6):

Labcorp Genetics (formerly Invitae), Labcorp
Classification: Uncertain significance. Last evaluated: 2025-08-26. Review status: criteria provided, single submitter. Criteria: Invitae Variant Classification Sherloc (09022015). Collection method: clinical testing. Allele origin: germline.
Comment: This sequence change replaces alanine, which is neutral and non-polar, with glycine, which is neutral and non-polar, at codon 149 of the TBCE protein (p.Ala149Gly). This variant is present in population databases (rs150187679, gnomAD 0.03%). This variant has not been reported in the literature in individuals affected with TBCE-related conditions. ClinVar contains an entry for this variant (Variation ID: 284336). Invitae Evidence Modeling of protein sequence and biophysical properties (such as structural, functional, and spatial information, amino acid conservation, physicochemical variation, residue mobility, and thermodynamic stability) indicates that this missense variant is not expected to disrupt TBCE protein function with a negative predictive value of 80%. In summary, the available evidence is currently insufficient to determine the role of this variant in disease. Therefore, it has been classified as a Variant of Uncertain Significance.

Department of Pathology and Laboratory Medicine, Sinai Health System
Classification: Uncertain significance for hypoparathyroidism-retardation-dysmorphism syndrome. Last evaluated: 2021-05-28. Review status: criteria provided, single submitter. Criteria: ACMG Guidelines, 2015. Collection method: research. Allele origin: germline.

Illumina Laboratory Services, Illumina
Classification: Uncertain significance for Hypoparathyroidism-retardation-dysmorphism syndrome. Last evaluated: 2018-01-13. Review status: criteria provided, single submitter. Criteria: ICSL Variant Classification Criteria 13 December 2019. Collection method: clinical testing. Allele origin: germline.

Eurofins Ntd Llc (ga)
Classification: Uncertain significance. Last evaluated: 2015-11-07. Review status: criteria provided, single submitter. Criteria: EGL Classification Definitions 2015. Collection method: clinical testing. Allele origin: germline. Observed: 1 variant allele, 1 heterozygote.

Breakthrough Genomics
Classification: Uncertain significance. Review status: criteria provided, single submitter. Criteria: ACMG Guidelines, 2015. Collection method: not provided. Allele origin: germline. Inheritance: Autosomal recessive inheritance. Affected: yes.

Dr. Peter K. Rogan Lab, Western University
No classification provided (evidence only). Condition: Hepatocellular carcinoma. Review status: no classification provided. Collection method: in vitro. Allele origin: not applicable. Functional consequence: retained intron. Not counted in ClinVar's aggregate classification.